The following is an entry in ClinVar:

ClinVar aggregate classification (germline): Uncertain significance. Review status: criteria provided, multiple submitters, no conflicts (2 of 4 stars). 3 submissions from 3 submitters: Uncertain significance (2). 1 of the submissions does not count toward it. Last evaluated 2022-05-04.

Conditions:
Alpha-1-antitrypsin deficiency (A1ATD). Also called: AAT deficiency; A1AT deficiency; Alpha1-Antitrypsin Deficiency. Identifiers: Orphanet 60, MedGen C0221757, MONDO:0013282, OMIM 613490.

Allele frequency attached by ClinVar (database versions not stated): gnomAD 0.00001; gnomAD exomes 0.00001; ExAC 0.00002; TOPMed 0.00003.
gnomAD v4.1: 35 of 1,614,064 alleles (0.0022%); highest among the groups gnomAD compares: South Asian, 0.0055%; no homozygotes.

Submissions (3):

Mendelics
Classification: Uncertain significance. Last evaluated: 2022-05-04. Review status: criteria provided, single submitter. Criteria: Mendelics Assertion Criteria 2019. Collection method: clinical testing. Allele origin: germline.

GeneDx
Classification: Uncertain significance. Last evaluated: 2017-03-30. Review status: criteria provided, single submitter. Criteria: GeneDx Variant Classification (06012015). Collection method: clinical testing. Allele origin: germline. Affected: yes.
Comment: The D294N variant in the SERPINA1 gene has been reported previously, using alternate nomenclature D270N, in a single individual from the general population with reduced alpha-1-antitrypsin who was also heterozygous for the M1 allele (Zorzetto et al., 2008). The D294N variant is not observed at a significant frequency in large population cohorts (Lek et al., 2016; 1000 Genomes Consortium et al., 2015; Exome Variant Server). The D294N variant is a semi-conservative amino acid substitution, which may impact secondary protein structure as these residues differ in some properties. This substitution occurs at a position that is not conserved across species, and in silico analysis is inconsistent in its predictions as to whether or not the variant is damaging to the protein structure/function. We interpret D294N as a variant of uncertain significance.

Counsyl
Classification: Uncertain significance for Alpha-1-antitrypsin deficiency. Last evaluated: 2017-11-09. Review status: no assertion criteria provided. Collection method: clinical testing. Allele origin: unknown. Not counted in ClinVar's aggregate classification.

Literature cited by the submitters: PubMed 18515255 (cited by Counsyl).

NM_000295.5(SERPINA1):c.880G>A (p.Asp294Asn)

Gene: SERPINA1 (serpin family A member 1; minus strand). Cytogenetic location: 14q32.13.
Variant type: single nucleotide variant.
Coding change: c.880G>A on transcript NM_000295.5 (MANE Select); coding-DNA position 880, G replaced by A.
Protein change: p.Asp294Asn; replaces aspartic acid 294 with asparagine.
Molecular consequence: missense variant.
Genome position (GRCh38, 1-based): chr14:94,380,908, C>T on the plus strand (G>A on the coding strand, the complement: SERPINA1 is on the minus strand). VCF-style: chr14-94380908-C-T. GRCh37 (hg19) VCF-style: chr14-94847245-C-T.
Other names: c.880G>A, p.Asp294Asn (NM_001002235.3, NM_001002236.3, NM_001127700.2 and 7 more transcripts); short protein forms D294N.
Identifiers: ClinVar variation 426859 (VCV000426859.4), dbSNP rs772436715, ClinGen allele CA7327385.
Genomic context (GRCh38, chr14:94,380,908, plus strand): 5'-TCACCCTCAGGTTGGGGAATCACCTTCTGTCTTCATTTTCCAGGAACTTGGTGATGATAT[C>T]GTGGGTGAGTTCATTTTCCAGGTGCTGTAGTTTCCCCTCATCAGGCAGGAAGAAGATGGC-3'
Protein context (NP_000286.3, residues 284-304): LQHLENELTH[Asp294Asn]IITKFLENED